The following is an entry in ClinVar:

NM_000179.3(MSH6):c.350G>C (p.Gly117Ala)

Gene: MSH6 (mutS homolog 6; plus strand). Cytogenetic location: 2p16.3.
Variant type: single nucleotide variant.
Coding change: c.350G>C on transcript NM_000179.3 (MANE Select); coding-DNA position 350, G replaced by C.
Protein change: p.Gly117Ala; replaces glycine 117 with alanine.
Molecular consequence: missense variant. On other transcripts: 5 prime UTR variant (2), intron variant (1).
Genome position (GRCh38, 1-based): chr2:47,791,016, G>C. VCF-style: chr2-47791016-G-C. GRCh37 (hg19) VCF-style: chr2-48018155-G-C.
Other names: c.-387G>C (NM_001281493.2); c.-553G>C (NM_001281494.2); c.237+7546G>C (NM_001281492.2); short protein forms G117A.
Identifiers: ClinVar variation 921227 (VCV000921227.12), dbSNP rs1668691850, ClinGen allele CA346736990.

ClinVar aggregate classification (germline): Uncertain significance. Review status: criteria provided, multiple submitters, no conflicts (2 of 4 stars). 2 submissions from 2 submitters: Uncertain significance (2). Last evaluated 2024-03-06.

Conditions:
Hereditary nonpolyposis colorectal neoplasms. Identifiers: MedGen C0009405, MeSH D003123.
Hereditary cancer-predisposing syndrome. Also called: Neoplastic Syndromes, Hereditary; Tumor predisposition; Hereditary Cancer Syndrome; Hereditary neoplastic syndrome. Identifiers: Orphanet 140162, MedGen C0027672, MeSH D009386, MONDO:0015356.

Submissions (2):

Color Diagnostics, LLC DBA Color Health
Classification: Uncertain significance for Hereditary cancer-predisposing syndrome. Last evaluated: 2024-03-06. Review status: criteria provided, single submitter. Criteria: ACMG Guidelines, 2015. Collection method: clinical testing. Allele origin: germline.
Comment: This missense variant replaces glycine with alanine at codon 117 of the MSH6 protein. Computational prediction tool suggests that this variant may not impact protein structure and function (internally defined REVEL score threshold <=0.5, PMID: 27666373). Splice site prediction tools suggest that this variant may not impact RNA splicing. To our knowledge, functional studies have not been performed for this variant. This variant has not been reported in individuals affected with hereditary cancer in the literature. This variant has not been identified in the general population by the Genome Aggregation Database (gnomAD). The available evidence is insufficient to determine the role of this variant in disease conclusively. Therefore, this variant is classified as a Variant of Uncertain Significance.

Labcorp Genetics (formerly Invitae), Labcorp
Classification: Uncertain significance for Hereditary nonpolyposis colorectal neoplasms. Last evaluated: 2020-12-23. Review status: criteria provided, single submitter. Criteria: Invitae Variant Classification Sherloc (09022015). Collection method: clinical testing. Allele origin: germline.
Comment: This variant is not present in population databases (ExAC no frequency). In summary, the available evidence is currently insufficient to determine the role of this variant in disease. Therefore, it has been classified as a Variant of Uncertain Significance. Advanced modeling of protein sequence and biophysical properties (such as structural, functional, and spatial information, amino acid conservation, physicochemical variation, residue mobility, and thermodynamic stability) performed at Invitae indicates that this missense variant is not expected to disrupt MSH6 protein function. This variant has not been reported in the literature in individuals with MSH6-related conditions. ClinVar contains an entry for this variant (Variation ID: 921227). This sequence change replaces glycine with alanine at codon 117 of the MSH6 protein (p.Gly117Ala). The glycine residue is moderately conserved and there is a small physicochemical difference between glycine and alanine.